The following is an entry in ClinVar:

NM_000138.5(FBN1):c.1071G>A (p.Gln357=)

Genes: FBN1 (fibrillin 1; minus strand), LOC113939944 (Sharpr-MPRA regulatory region 9539; plus strand). Cytogenetic location: 15q21.1.
Variant type: single nucleotide variant.
Coding change: c.1071G>A on transcript NM_000138.5 (MANE Select); coding-DNA position 1071, G replaced by A.
Protein change: p.Gln357=; no amino-acid change (glutamine 357 retained).
Molecular consequence: synonymous variant.
Genome position (GRCh38, 1-based): chr15:48,520,735, C>T on the plus strand (G>A on the coding strand, the complement: FBN1 is on the minus strand). VCF-style: chr15-48520735-C-T. GRCh37 (hg19) VCF-style: chr15-48812932-C-T.
Other names: c.1071G>A, p.Gln357= (NM_001406716.1).
Identifiers: ClinVar variation 3074922 (VCV003074922.1), dbSNP rs1464363760, ClinGen allele CA490028503.

ClinVar aggregate classification (germline): Likely benign (1 of 4 stars; one submission).

Conditions:
Marfan syndrome (MFS). Also called: MARFAN SYNDROME, TYPE I; Marfan syndrome type 1; Marfan's syndrome; Marfan syndrome, classic; FBN1-Related Marfan Syndrome. Identifiers: Orphanet 284963, Orphanet 558, MedGen C0024796, MONDO:0007947, OMIM 154700.

Allele frequency attached by ClinVar (database versions not stated): gnomAD exomes below 0.00001; TOPMed below 0.00001.
gnomAD v4.1: 1 of 1,614,178 alleles (0.000062%); no homozygotes.

Submission:

All of Us Research Program, National Institutes of Health
Classification: Likely benign for Marfan syndrome. Last evaluated: 2023-12-13. Review status: criteria provided, single submitter. Criteria: ACMG Guidelines, 2015. Collection method: clinical testing. Allele origin: germline. Inheritance: Autosomal dominant inheritance. Observed: 1 variant allele, 1 heterozygote.
Comment: This study involves interpretation of variants in research participants for the purpose of population health screening. Participant phenotype was not available at the time of variant classification. Additional details can be found in publication PMID: 35346344, PMCID: PMC8962531